The following is an entry in ClinVar:

NM_030662.4(MAP2K2):c.83_84delinsAA (p.Gly28Glu)

Genes: MAP2K2 (mitogen-activated protein kinase kinase 2; minus strand), LOC130063193 (ATAC-STARR-seq lymphoblastoid silent region 9881; plus strand). Cytogenetic location: 19p13.3.
Variant type: Indel.
Coding change: c.83_84delinsAA on transcript NM_030662.4 (MANE Select); coding-DNA positions 83 to 84, GC replaced by AA.
Protein change: p.Gly28Glu; replaces glycine 28 with glutamic acid.
Molecular consequence: missense variant.
Genome position (GRCh38, 1-based): chr19:4,123,792-4,123,793, GC replaced by TT on the plus strand (GC replaced by AA on the coding strand, the reverse complement: MAP2K2 is on the minus strand). VCF-style: chr19-4123792-GC-TT. GRCh37 (hg19) VCF-style: chr19-4123789-GC-TT.
Other names: p.G28E:GGC>GAA; c.83_84delGCinsAA (NM_030662.3); short protein forms G28E.
Identifiers: ClinVar variation 40766 (VCV000040766.7), dbSNP rs730880520, ClinGen allele CA296176.
Genomic context (GRCh38, chr19:4,123,792, plus strand): 5'-GGGCTCCCTGCCCCGTGCACCCCAAGCCTCCGGCTGACCCCTGCCCACTCACTCGGAGGC[GC>TT]CCTCGCTGGTAGGGGATGGGCCCTCGGCGATGGTAGGGTTGATGGTGAGCGCCGGCAGCA-3'
Protein context (NP_109587.1, residues 18-38): IAEGPSPTSE[Gly28Glu]ASEANLVDLQ

ClinVar aggregate classification (germline): Uncertain significance. Review status: criteria provided, multiple submitters, no conflicts (2 of 4 stars). 2 submissions from 2 submitters: Uncertain significance (2). Last evaluated 2025-08-18.

Conditions:
RASopathy. Also called: rasopathies; Noonan spectrum disorder. Identifiers: Orphanet 536391, MedGen C5555857, MONDO:0021060.

Submissions (2):

Labcorp Genetics (formerly Invitae), Labcorp
Classification: Uncertain significance for RASopathy. Last evaluated: 2025-08-18. Review status: criteria provided, single submitter. Criteria: Invitae Variant Classification Sherloc (09022015). Collection method: clinical testing. Allele origin: germline.
Comment: This sequence change replaces glycine, which is neutral and non-polar, with glutamic acid, which is acidic and polar, at codon 28 of the MAP2K2 protein (p.Gly28Glu). Information on the frequency of this variant in the gnomAD database is not available, as this variant may be reported differently in the database. This variant has not been reported in the literature in individuals affected with MAP2K2-related conditions. ClinVar contains an entry for this variant (Variation ID: 40766). An algorithm developed to predict the effect of missense changes on protein structure and function (PolyPhen-2) suggests that this variant is likely to be tolerated. In summary, the available evidence is currently insufficient to determine the role of this variant in disease. Therefore, it has been classified as a Variant of Uncertain Significance.

GeneDx
Classification: Uncertain significance. Last evaluated: 2018-03-22. Review status: criteria provided, single submitter. Criteria: GeneDx Variant Classification (06012015). Collection method: clinical testing. Allele origin: germline. Affected: yes.
Comment: The c.83_84delGCinsAA variant in the MAP2K2 gene has not been reported previously as a pathogenic variant nor as a benign variant, to our knowledge. This variant causes an in-frame substitution of Glycine 28 with a Glutamic acid residue, denoted p.Gly28Glu. The c.83_84delGCinsAA variant is not observed in large population cohorts (Lek et al., 2016). The c.83_84delGCinsAA variant is a non-conservative amino acid substitution, which is likely to impact secondary protein structure as these residues differ in polarity, charge, size and/or other properties. In-silico analyses, including protein predictors and evolutionary conservation, support that this variant does not alter protein structure/function. The majority of missense variants in this gene are considered pathogenic (Stenson et al., 2014). We interpret c.83_84delGCinsAA as a variant of uncertain significance.